The following is an entry in ClinVar:

ClinVar aggregate classification (germline): Uncertain significance (1 of 4 stars; one submission).

Conditions:
Hereditary cancer-predisposing syndrome. Also called: Neoplastic Syndromes, Hereditary; Tumor predisposition; Hereditary Cancer Syndrome; Hereditary neoplastic syndrome. Identifiers: Orphanet 140162, MedGen C0027672, MeSH D009386, MONDO:0015356.

Submission:

Ambry Genetics
Classification: Uncertain significance for Hereditary cancer-predisposing syndrome. Last evaluated: 2022-07-11. Review status: criteria provided, single submitter. Criteria: Ambry Variant Classification Scheme 2023. Collection method: clinical testing. Allele origin: germline.
Comment: The p.Y54F variant (also known as c.161A>T), located in coding exon 2 of the CDC73 gene, results from an A to T substitution at nucleotide position 161. The tyrosine at codon 54 is replaced by phenylalanine, an amino acid with highly similar properties. This amino acid position is conserved. In addition, the in silico prediction for this alteration is inconclusive. Since supporting evidence is limited at this time, the clinical significance of this alteration remains unclear.

NM_024529.5(CDC73):c.161A>T (p.Tyr54Phe)

Gene: CDC73 (cell division cycle 73; plus strand). Cytogenetic location: 1q31.2.
Variant type: single nucleotide variant.
Coding change: c.161A>T on transcript NM_024529.5 (MANE Select); coding-DNA position 161, A replaced by T.
Protein change: p.Tyr54Phe; replaces tyrosine 54 with phenylalanine.
Molecular consequence: missense variant.
Genome position (GRCh38, 1-based): chr1:193,125,141, A>T. VCF-style: chr1-193125141-A-T. GRCh37 (hg19) VCF-style: chr1-193094271-A-T.
Other names: short protein forms Y54F.
Identifiers: ClinVar variation 1776567 (VCV001776567.2), dbSNP rs2527289367, ClinGen allele CA343973094.